The following is an entry in ClinVar:

NM_000179.3(MSH6):c.2146A>G (p.Thr716Ala)

Gene: MSH6 (mutS homolog 6; plus strand). Cytogenetic location: 2p16.3.
Variant type: single nucleotide variant.
Coding change: c.2146A>G on transcript NM_000179.3 (MANE Select); coding-DNA position 2146, A replaced by G.
Protein change: p.Thr716Ala; replaces threonine 716 with alanine.
Molecular consequence: missense variant.
Genome position (GRCh38, 1-based): chr2:47,800,129, A>G. VCF-style: chr2-47800129-A-G. GRCh37 (hg19) VCF-style: chr2-48027268-A-G.
Other names: c.1756A>G, p.Thr586Ala (NM_001281492.2); c.1240A>G, p.Thr414Ala (NM_001281493.2, NM_001281494.2); short protein forms T716A, T414A, T586A.
Identifiers: ClinVar variation 455178 (VCV000455178.26), dbSNP rs749711246, ClinGen allele CA068496.
Genomic context (GRCh38, chr2:47,800,129, plus strand): 5'-ATTGATCAGGAGCTTTTATCAATGGCTAATTTTGAAGAATATATTCCCTTGGATTCTGAC[A>G]CAGTCAGCACTACAAGATCTGGTGCTATCTTCACCAAAGCCTATCAACGAATGGTGCTAG-3'
Protein context (NP_000170.1, residues 706-726): FEEYIPLDSD[Thr716Ala]VSTTRSGAIF

ClinVar aggregate classification (germline): Conflicting classifications of pathogenicity. Review status: criteria provided, conflicting classifications (1 of 4 stars). 9 submissions from 9 submitters: Uncertain significance (7); Likely benign (1). 1 of the submissions does not count toward it. Last evaluated 2025-11-10.

Conditions:
MSH6-related disorder. Also called: MSH6-related condition; MSH6-Related disorders.
Hereditary nonpolyposis colorectal neoplasms. Identifiers: MedGen C0009405, MeSH D003123.
Hereditary cancer-predisposing syndrome. Also called: Hereditary Cancer Syndrome; Hereditary neoplastic syndrome; Neoplastic Syndromes, Hereditary; Tumor predisposition. Identifiers: Orphanet 140162, MedGen C0027672, MeSH D009386, MONDO:0015356.
Lynch syndrome. Identifiers: Orphanet 144, MedGen C4552100, MONDO:0005835. Disease mechanism: loss of function.
Lynch syndrome 5 (LYNCH5). Also called: Hereditary non-polyposis colorectal cancer, type 5; Colorectal cancer, hereditary nonpolyposis, type 5. Identifiers: Orphanet 144, MedGen C1833477, MONDO:0013710, OMIM 614350. Disease mechanism: loss of function.

Allele frequency attached by ClinVar (database versions not stated): gnomAD exomes below 0.00001; ExAC 0.00001; TOPMed 0.00001.
gnomAD v4.1: 6 of 1,614,202 alleles (0.00037%); highest among the groups gnomAD compares: African/African-American, 0.0027%; no homozygotes.

Submissions (9):

Labcorp Genetics (formerly Invitae), Labcorp
Classification: Likely benign for Hereditary nonpolyposis colorectal neoplasms. Last evaluated: 2025-11-10. Review status: criteria provided, single submitter. Criteria: Invitae Variant Classification Sherloc (09022015). Collection method: clinical testing. Allele origin: germline.

Ambry Genetics
Classification: Uncertain significance for Hereditary cancer-predisposing syndrome. Last evaluated: 2025-09-02. Review status: criteria provided, single submitter. Criteria: Ambry Variant Classification Scheme 2023. Collection method: clinical testing. Allele origin: germline.
Comment: The p.T716A variant (also known as c.2146A>G), located in coding exon 4 of the MSH6 gene, results from an A to G substitution at nucleotide position 2146. The threonine at codon 716 is replaced by alanine, an amino acid with similar properties. In a study of whole-exome sequencing in patients with features of Cowden syndrome (CS) or Bannayan-Riley-Ruvalcaba syndrome (BRRS) and negative PTEN testing, this alteration was identified in 0/87 patients with CS or BRRS and 1/3476 patients from The Cancer Genome Atlas (TCGA) (Yehia L et al. PLoS Genet, 2018 04;14:e1007352). This amino acid position is poorly conserved in available vertebrate species. In addition, this alteration is predicted to be tolerated by in silico analysis. Based on the available evidence, the clinical significance of this variant remains unclear.

Color Diagnostics, LLC DBA Color Health
Classification: Uncertain significance for Hereditary cancer-predisposing syndrome. Last evaluated: 2025-04-28. Review status: criteria provided, single submitter. Criteria: ACMG Guidelines, 2015. Collection method: clinical testing. Allele origin: germline.
Comment: This missense variant replaces threonine with alanine at codon 716 of the MSH6 protein. Computational prediction suggests that this variant may not impact protein structure and function. To our knowledge, functional studies have not been reported for this variant. This variant has not been reported in individuals affected with MSH6-related disorders in the literature. This variant has been identified in 1/250930 chromosomes in the general population by the Genome Aggregation Database (gnomAD). The available evidence is insufficient to determine the role of this variant in disease conclusively. Therefore, this variant is classified as a Variant of Uncertain Significance.

All of Us Research Program, National Institutes of Health
Classification: Uncertain significance for Lynch syndrome. Last evaluated: 2023-12-01. Review status: criteria provided, single submitter. Criteria: ACMG Guidelines, 2015. Collection method: clinical testing. Allele origin: germline. Inheritance: Autosomal dominant inheritance. Observed: 2 variant alleles, 2 heterozygotes.
Comment: This study involves interpretation of variants in research participants for the purpose of population health screening. Participant phenotype was not available at the time of variant classification. Additional details can be found in publication PMID: 35346344, PMCID: PMC8962531

Quest Diagnostics Nichols Institute San Juan Capistrano
Classification: Uncertain significance. Last evaluated: 2023-07-13. Review status: criteria provided, single submitter. Criteria: Quest Diagnostics criteria. Collection method: clinical testing. Allele origin: unknown.
Comment: In the published literature, this variant has been reported in one individual with colon cancer from The Cancer Genome Atlas dataset (PMID: 29684080 (2018)) and another individual with T-cell acute lymphoblastic leukemia (PMID: 31721781 (2019)). The frequency of this variant in the general population, 0.000004 (1/250930 chromosomes (Genome Aggregation Database)), is uninformative in the assessment of its pathogenicity. Analysis of this variant using bioinformatics tools for the prediction of the effect of amino acid changes on protein structure and function yielded predictions that this variant is benign. Based on the available information, we are unable to determine the clinical significance of this variant.

Department of Pathology and Laboratory Medicine, Sinai Health System
Classification: Uncertain significance for Lynch syndrome 5. Last evaluated: 2022-11-07. Review status: criteria provided, single submitter. Criteria: ACMG Guidelines, 2015. Collection method: clinical testing. Allele origin: germline. Affected: yes.

Sema4
Classification: Uncertain significance for Hereditary cancer-predisposing syndrome. Last evaluated: 2022-02-10. Review status: criteria provided, single submitter. Criteria: Sema4 Curation Guidelines. Collection method: curation. Allele origin: germline.
Comment: The MSH6 c.2146A>G (p.T716A) variant has not been reported in the literature to our knowledge. It was observed in 1/113258 chromosomes of the Non-Finnish European subpopulation in the large and broad cohorts of the Genome Aggregation Database (PMID: 32461654). The variant has been reported in ClinVar (Variation ID 455178). Functional studies have not been performed, and in silico predictions of the variant's effect on protein function are inconclusive. The evidence is insufficient to meet ACMG/AMP criteria for classifying the variant as benign or pathogenic. Thus, the clinical significance of this variant is currently uncertain.

GeneDx
Classification: Uncertain significance. Last evaluated: 2021-12-21. Review status: criteria provided, single submitter. Criteria: GeneDx Variant Classification Process June 2021. Collection method: clinical testing. Allele origin: germline. Affected: yes.
Comment: Not observed at significant frequency in large population cohorts (Lek 2016); In silico analysis, which includes protein predictors and evolutionary conservation, supports that this variant does not alter protein structure/function; Has not been previously published as germline pathogenic or benign to our knowledge; This variant is associated with the following publications: (PMID: 25980754, 22949379, 17531815, 21120944)

PreventionGenetics, part of Exact Sciences
Classification: Uncertain significance for MSH6-related condition. Last evaluated: 2024-05-22. Review status: no assertion criteria provided. Collection method: clinical testing. Allele origin: germline. Not counted in ClinVar's aggregate classification.
Comment: The MSH6 c.2146A>G variant is predicted to result in the amino acid substitution p.Thr716Ala. This variant has been reported in one individual with colon cancer from The Cancer Genome Atlas (Yehia et al. 2018. PubMed ID: 29684080). This variant is reported in 0.00088% of alleles in individuals of European (Non-Finnish) descent in gnomAD. This variant has conflicting reports in Clinvar from uncertain significance to likely benign (Clinvar ID: 455178). At this time, the clinical significance of this variant is uncertain due to the absence of conclusive functional and genetic evidence.

Literature cited by the submitters: PubMed 29684080 (cited by Ambry Genetics and Quest Diagnostics Nichols Institute San Juan Capistrano); PubMed 31721781 (cited by Quest Diagnostics Nichols Institute San Juan Capistrano).